The following is an entry in ClinVar:

NM_004281.4(BAG3):c.848G>C (p.Ser283Thr)

Gene: BAG3 (BAG cochaperone 3; plus strand). Cytogenetic location: 10q26.11.
Variant type: single nucleotide variant.
Coding change: c.848G>C on transcript NM_004281.4 (MANE Select); coding-DNA position 848, G replaced by C.
Protein change: p.Ser283Thr; replaces serine 283 with threonine.
Molecular consequence: missense variant.
Genome position (GRCh38, 1-based): chr10:119,672,595, G>C. VCF-style: chr10-119672595-G-C. GRCh37 (hg19) VCF-style: chr10-121432107-G-C.
Other names: short protein forms S283T.
Identifiers: ClinVar variation 4782977 (VCV004782977.1).

ClinVar aggregate classification (germline): Uncertain significance (1 of 4 stars; one submission).

Conditions:
Dilated cardiomyopathy 1HH (CMD1HH). Identifiers: Orphanet 154, MedGen C3151293, MONDO:0013479, OMIM 613881.
Myofibrillar myopathy 6. Identifiers: Orphanet 199340, MedGen C2751831, MONDO:0013061, OMIM 612954.

Submission:

Labcorp Genetics (formerly Invitae), Labcorp
Classification: Uncertain significance for Dilated cardiomyopathy 1HH; Myofibrillar myopathy 6. Last evaluated: 2025-05-01. Review status: criteria provided, single submitter. Criteria: Invitae Variant Classification Sherloc (09022015). Collection method: clinical testing. Allele origin: germline.
Comment: This sequence change replaces serine, which is neutral and polar, with threonine, which is neutral and polar, at codon 283 of the BAG3 protein (p.Ser283Thr). This variant is not present in population databases (gnomAD no frequency). This variant has not been reported in the literature in individuals affected with BAG3-related conditions. Invitae Evidence Modeling of protein sequence and biophysical properties (such as structural, functional, and spatial information, amino acid conservation, physicochemical variation, residue mobility, and thermodynamic stability) indicates that this missense variant is not expected to disrupt BAG3 protein function with a negative predictive value of 80%. In summary, the available evidence is currently insufficient to determine the role of this variant in disease. Therefore, it has been classified as a Variant of Uncertain Significance.